The following is an entry in ClinVar:

NM_000260.4(MYO7A):c.2283-2A>T

Gene: MYO7A (myosin VIIA; plus strand). Cytogenetic location: 11q13.5.
Variant type: single nucleotide variant.
Coding change: c.2283-2A>T on transcript NM_000260.4 (MANE Select); the canonical splice acceptor site of the intron before coding-DNA position 2283, A replaced by T.
Molecular consequence: splice acceptor variant.
Genome position (GRCh38, 1-based): chr11:77,179,043, A>T. VCF-style: chr11-77179043-A-T. GRCh37 (hg19) VCF-style: chr11-76890089-A-T.
Other names: c.2250-2A>T (NM_001369365.1); c.2283-2A>T (NM_001127180.2).
Identifiers: ClinVar variation 3601461 (VCV003601461.1).
Genomic context (GRCh38, chr11:77,179,043, plus strand): 5'-AACCCACCTGTACCCTGGCTGCCTCTGGACACTGCTCACCCGCGCCACTACTGCTGTTTC[A>T]GGTCTAACTTTCTGAAGCTGAAGAACGCTGCCACACTGATCCAGAGGCACTGGCGGGGTC-3'

ClinVar aggregate classification (germline): Pathogenic (1 of 4 stars; one submission).

Conditions:
Autosomal recessive nonsyndromic hearing loss 2. Also called: NEUROSENSORY NONSYNDROMIC RECESSIVE DEAFNESS 2; DEAFNESS, AUTOSOMAL RECESSIVE 2. Identifiers: Orphanet 90636, MedGen C1838701, MONDO:0010807, OMIM 600060.

Submission:

Institute of Rare Diseases, West China Hospital, Sichuan University
Classification: Pathogenic for Autosomal recessive nonsyndromic hearing loss 2. Last evaluated: 2025-01-09. Review status: criteria provided, single submitter. Criteria: ClinGen HL ACMG Specifications v1. Collection method: research. Allele origin: germline. Affected: yes.
Comment: PVS1;PM3;PP1;PM2_Supporting